The following is an entry in ClinVar:

NM_003072.5(SMARCA4):c.2124-17C>T

Gene: SMARCA4 (SWI/SNF related BAF chromatin remodeling complex subunit ATPase 4; plus strand). Cytogenetic location: 19p13.2.
Variant type: single nucleotide variant.
Coding change: c.2124-17C>T on transcript NM_003072.5 (MANE Select); 17 bases into the intron before coding-DNA position 2124, C replaced by T.
Molecular consequence: intron variant.
Genome position (GRCh38, 1-based): chr19:11,010,364, C>T. VCF-style: chr19-11010364-C-T. GRCh37 (hg19) VCF-style: chr19-11121040-C-T.
Other names: c.2124-17C>T (NM_001128844.3, NM_001128849.3, NM_001128847.4 and 5 more transcripts).
Identifiers: ClinVar variation 1622849 (VCV001622849.10), dbSNP rs778529842, ClinGen allele CA9204025.
Genomic context (GRCh38, chr19:11,010,364, plus strand): 5'-GAGCTTGTGTCAGGAGCCAGCACATTGTCACAGATAGGAATGTGTGTCCTTACCCGGCAC[C>T]TCCATCTCACTCCCAGGAATGCCAAGCAAGATGTCGATGATGAATATGGCGTGTCCCAGG-3'

ClinVar aggregate classification (germline): Benign/Likely benign. Review status: criteria provided, multiple submitters, no conflicts (2 of 4 stars). 2 submissions from 2 submitters: Benign (1); Likely benign (1). Last evaluated 2026-07-13.

Conditions:
Rhabdoid tumor predisposition syndrome 2 (RTPS2). Identifiers: Orphanet 231108, Orphanet 69077, MedGen C2750074, MONDO:0013224, OMIM 613325.

Allele frequency attached by ClinVar (database versions not stated): gnomAD exomes 0.00001 and below 0.00001; ExAC 0.00001.
gnomAD v4.1: 5 of 1,613,772 alleles (0.00031%); highest among the groups gnomAD compares: Non-Finnish European, 0.00042%; no homozygotes.

Submissions (2):

Myriad Genetics, Inc.
Classification: Benign for Rhabdoid tumor predisposition syndrome 2. Last evaluated: 2026-07-13. Review status: criteria provided, single submitter. Criteria: Myriad Autosomal Dominant, Autosomal Recessive and X-Linked Classification Criteria (2023). Collection method: clinical testing. Allele origin: unknown.
Comment: This variant is considered benign. This variant is intronic and is not expected to impact mRNA splicing. This variant has been observed at a population frequency that is significantly greater than expected given the associated disease prevalence and penetrance.

Labcorp Genetics (formerly Invitae), Labcorp
Classification: Likely benign for Rhabdoid tumor predisposition syndrome 2. Last evaluated: 2026-02-03. Review status: criteria provided, single submitter. Criteria: Invitae Variant Classification Sherloc (09022015). Collection method: clinical testing. Allele origin: germline.